The following is an entry in ClinVar:

NM_000890.5(KCNJ5):c.41A>T (p.Glu14Val)

Gene: KCNJ5 (potassium inwardly rectifying channel subfamily J member 5; plus strand). Cytogenetic location: 11q24.3.
Variant type: single nucleotide variant.
Coding change: c.41A>T on transcript NM_000890.5 (MANE Select); coding-DNA position 41, A replaced by T.
Protein change: p.Glu14Val; replaces glutamic acid 14 with valine.
Molecular consequence: missense variant.
Genome position (GRCh38, 1-based): chr11:128,911,314, A>T. VCF-style: chr11-128911314-A-T. GRCh37 (hg19) VCF-style: chr11-128781209-A-T.
Other names: c.41A>T (LRG_333t1); c.41A>T, p.Glu14Val (NM_001354169.2); short protein forms E14V.
Identifiers: ClinVar variation 457009 (VCV000457009.8), dbSNP rs1555144849, ClinGen allele CA383245374.

ClinVar aggregate classification (germline): Uncertain significance (1 of 4 stars; one submission).

Conditions:
Long QT syndrome (LQTS). Identifiers: MedGen C0023976, MeSH D008133, MONDO:0002442. Disease mechanism: loss of function. Inheritance: Various modes of inheritance.

Submission:

Labcorp Genetics (formerly Invitae), Labcorp
Classification: Uncertain significance for Long QT syndrome. Last evaluated: 2017-06-27. Review status: criteria provided, single submitter. Criteria: Invitae Variant Classification Sherloc (09022015). Collection method: clinical testing. Allele origin: germline.
Comment: This sequence change replaces glutamic acid with valine at codon 14 of the KCNJ5 protein (p.Glu14Val). The glutamic acid residue is moderately conserved and there is a moderate physicochemical difference between glutamic acid and valine. This variant is not present in population databases (ExAC no frequency). This variant has not been reported in the literature in individuals with KCNJ5-related disease. Algorithms developed to predict the effect of missense changes on protein structure and function (SIFT, PolyPhen-2, Align-GVGD) all suggest that this variant is likely to be tolerated, but these predictions have not been confirmed by published functional studies and their clinical significance is uncertain. Algorithms developed to predict the effect of sequence changes on RNA splicing suggest that this variant may create or strengthen a splice site, but this prediction has not been confirmed by published transcriptional studies. In summary, the available evidence is currently insufficient to determine the role of this variant in disease. Therefore, it has been classified as a Variant of Uncertain Significance.